The following is an entry in ClinVar:

NM_000246.4(CIITA):c.2564C>T (p.Ala855Val)

Gene: CIITA (class II major histocompatibility complex transactivator; plus strand). Cytogenetic location: 16p13.13.
Variant type: single nucleotide variant.
Coding change: c.2564C>T on transcript NM_000246.4 (MANE Select); coding-DNA position 2564, C replaced by T.
Protein change: p.Ala855Val; replaces alanine 855 with valine.
Molecular consequence: missense variant. On other transcripts: intron variant (1).
Genome position (GRCh38, 1-based): chr16:10,908,056, C>T. VCF-style: chr16-10908056-C-T. GRCh37 (hg19) VCF-style: chr16-11001913-C-T.
Other names: c.2567C>T, p.Ala856Val (NM_001286402.1, NM_001379332.1); c.2420C>T, p.Ala807Val (NM_001379330.1); c.2417C>T, p.Ala806Val (NM_001379331.1); c.2564C>T, p.Ala855Val (NM_001379333.1); c.2495C>T, p.Ala832Val (NM_001379334.1); c.860-927C>T (NM_001286403.2); short protein forms A806V, A807V, A832V, A855V, A856V.
Identifiers: ClinVar variation 989907 (VCV000989907.8), dbSNP rs760864976, ClinGen allele CA7900407.

ClinVar aggregate classification (germline): Uncertain significance. Review status: criteria provided, multiple submitters, no conflicts (2 of 4 stars). 4 submissions from 4 submitters: Uncertain significance (3). 1 of the submissions does not count toward it. Last evaluated 2022-04-07.

Conditions:
Rheumatoid arthritis (RA). Also called: RHEUMATOID ARTHRITIS, SUSCEPTIBILITY TO. Identifiers: MedGen C0003873, MONDO:0008383, OMIM 180300, HP:0001370.
MHC class II deficiency. Also called: BLS, TYPE II; Bare lymphocyte syndrome 2. Identifiers: Orphanet 572, MedGen C5447452, MONDO:0008855.

Allele frequency attached by ClinVar (database versions not stated): gnomAD 0.00001; gnomAD exomes 0.00003; TOPMed 0.00003; ExAC 0.00004.
gnomAD v4.1: 35 of 1,612,578 alleles (0.0022%); highest among the groups gnomAD compares: East Asian, 0.018%; no homozygotes.

Submissions (4):

Blueprint Genetics
Classification: Uncertain significance. Last evaluated: 2022-04-07. Review status: criteria provided, single submitter. Criteria: ACMG Guidelines, 2015. Collection method: clinical testing. Allele origin: germline.

Fulgent Genetics
Classification: Uncertain significance for Rheumatoid arthritis; MHC class II deficiency 1. Last evaluated: 2022-02-23. Review status: criteria provided, single submitter. Criteria: ACMG Guidelines, 2015. Collection method: clinical testing. Allele origin: unknown.

Labcorp Genetics (formerly Invitae), Labcorp
Classification: Uncertain significance for MHC class II deficiency. Last evaluated: 2021-09-01. Review status: criteria provided, single submitter. Criteria: Invitae Variant Classification Sherloc (09022015). Collection method: clinical testing. Allele origin: germline.
Comment: This sequence change replaces alanine with valine at codon 855 of the CIITA protein (p.Ala855Val). The alanine residue is highly conserved and there is a small physicochemical difference between alanine and valine. This variant is present in population databases (rs760864976, ExAC 0.04%). This variant has not been reported in the literature in individuals affected with CIITA-related conditions. Algorithms developed to predict the effect of missense changes on protein structure and function are either unavailable or do not agree on the potential impact of this missense change (SIFT: "Deleterious"; PolyPhen-2: "Probably Damaging"; Align-GVGD: "Class C0"). Algorithms developed to predict the effect of sequence changes on RNA splicing suggest that this variant may create or strengthen a splice site. In summary, the available evidence is currently insufficient to determine the role of this variant in disease. Therefore, it has been classified as a Variant of Uncertain Significance.

Natera, Inc.
Classification: Uncertain significance for Bare lymphocyte syndrome type II. Last evaluated: 2020-04-24. Review status: no assertion criteria provided. Collection method: clinical testing. Allele origin: germline. Not counted in ClinVar's aggregate classification.